The following is an entry in ClinVar:

NM_001292063.2(OTOG):c.6148C>T (p.Arg2050Cys)

Gene: OTOG (otogelin; plus strand). Cytogenetic location: 11p15.1.
Variant type: single nucleotide variant.
Coding change: c.6148C>T on transcript NM_001292063.2 (MANE Select); coding-DNA position 6148, C replaced by T.
Protein change: p.Arg2050Cys; replaces arginine 2050 with cysteine.
Molecular consequence: missense variant.
Genome position (GRCh38, 1-based): chr11:17,612,186, C>T. VCF-style: chr11-17612186-C-T. GRCh37 (hg19) VCF-style: chr11-17633733-C-T.
Other names: c.6184C>T, p.Arg2062Cys (NM_001277269.2); c.6184C>T (NM_001277269.1); short protein forms R2062C, R2050C.
Identifiers: ClinVar variation 1442671 (VCV001442671.9), dbSNP rs758044497, ClinGen allele CA5905997.
Genomic context (GRCh38, chr11:17,612,186, plus strand): 5'-TGATGGTCACTCACACTTCCTCCACTCTGTACCCAGCCAATCGCCGAGCAGGACTGCGTC[C>T]GCCACATCTGCCTGGAGGGCCAGCTGATTCGCGTGAATCAGTCCCAGCACTGTCCCCAGG-3'
Protein context (NP_001278992.1, residues 2040-2060): CVPIAEQDCV[Arg2050Cys]HICLEGQLIR

ClinVar aggregate classification (germline): Uncertain significance. Review status: criteria provided, multiple submitters, no conflicts (2 of 4 stars). 2 submissions from 2 submitters: Uncertain significance (2). Last evaluated 2025-03-02.

Conditions:
OTOG-related disorder. Also called: OTOG-related condition.

Allele frequency attached by ClinVar (database versions not stated): gnomAD exomes 0.00001; gnomAD 0.00005; ExAC 0.00006; TOPMed 0.00008.
gnomAD v4.1: 47 of 1,549,828 alleles (0.003%); highest among the groups gnomAD compares: Middle Eastern, 0.05%; no homozygotes.

Submissions (2):

PreventionGenetics, part of Exact Sciences
Classification: Uncertain significance for OTOG-related condition. Last evaluated: 2025-03-02. Review status: criteria provided, single submitter. Criteria: ACMG Guidelines, 2015. Collection method: clinical testing. Allele origin: germline.
Comment: The OTOG c.6184C>T variant is predicted to result in the amino acid substitution p.Arg2062Cys. To our knowledge, this variant has not been reported in the literature. This variant is reported in 0.0065% of alleles in individuals of African descent in gnomAD. At this time, the clinical significance of this variant is uncertain due to the absence of conclusive functional and genetic evidence.

Labcorp Genetics (formerly Invitae), Labcorp
Classification: Uncertain significance. Last evaluated: 2021-02-13. Review status: criteria provided, single submitter. Criteria: Invitae Variant Classification Sherloc (09022015). Collection method: clinical testing. Allele origin: germline.
Comment: Algorithms developed to predict the effect of missense changes on protein structure and function (SIFT, PolyPhen-2, Align-GVGD) all suggest that this variant is likely to be disruptive, but these predictions have not been confirmed by published functional studies and their clinical significance is uncertain. In summary, the available evidence is currently insufficient to determine the role of this variant in disease. Therefore, it has been classified as a Variant of Uncertain Significance. This variant has not been reported in the literature in individuals with OTOG-related conditions. This sequence change replaces arginine with cysteine at codon 2062 of the OTOG protein (p.Arg2062Cys). The arginine residue is moderately conserved and there is a large physicochemical difference between arginine and cysteine. The frequency data for this variant in the population databases is considered unreliable, as metrics indicate poor data quality at this position in the ExAC database.